The following is an entry in ClinVar:

NM_001243540.2(CEP295NL):c.267C>T (p.Gly89=)

Genes: CEP295NL (CEP295 N-terminal like; minus strand), TIMP2 (TIMP metallopeptidase inhibitor 2; minus strand). Cytogenetic location: 17q25.3.
Variant type: single nucleotide variant.
Coding change: c.267C>T on transcript NM_001243540.2 (MANE Select); coding-DNA position 267, C replaced by T.
Protein change: p.Gly89=; no amino-acid change (glycine 89 retained).
Molecular consequence: synonymous variant. On other transcripts: intron variant (1).
Genome position (GRCh38, 1-based): chr17:78,892,237, G>A on the plus strand (C>T on the coding strand, the complement: CEP295NL is on the minus strand). VCF-style: chr17-78892237-G-A. GRCh37 (hg19) VCF-style: chr17-76888319-G-A.
Other names: c.93C>T, p.Gly31= (NM_001243541.2); c.131-18318C>T (NM_003255.5).
Identifiers: ClinVar variation 2648382 (VCV002648382.24), dbSNP rs72851220, ClinGen allele CA8807877.

ClinVar aggregate classification (germline): Likely benign (1 of 4 stars; one submission).

Allele frequency attached by ClinVar (database versions not stated): 1000 Genomes Project 30x 0.00156; 1000 Genomes Project 0.00160; TOPMed 0.00388; ExAC 0.00469; gnomAD 0.00577; gnomAD exomes 0.00793.
gnomAD v4.1: 11,849 of 1,550,974 alleles (0.76%); highest among the groups gnomAD compares: Non-Finnish European, 0.87%; 64 homozygotes.

Submission:

CeGaT Center for Human Genetics Tuebingen
Classification: Likely benign. Last evaluated: 2025-03-01. Review status: criteria provided, single submitter. Criteria: CeGaT Center For Human Genetics Tuebingen Variant Classification Criteria Version 2. Collection method: clinical testing. Allele origin: germline. Affected: yes. Observed: 3 variant alleles.
Comment: CEP295NL: BS2